The following is an entry in ClinVar:

ClinVar aggregate classification (germline): Uncertain significance (1 of 4 stars; one submission).

Submission:

Labcorp Genetics (formerly Invitae), Labcorp
Classification: Uncertain significance. Last evaluated: 2024-02-17. Review status: criteria provided, single submitter. Criteria: Invitae Variant Classification Sherloc (09022015). Collection method: clinical testing. Allele origin: germline.
Comment: This sequence change replaces glycine, which is neutral and non-polar, with glutamic acid, which is acidic and polar, at codon 446 of the SLC44A4 protein (p.Gly446Glu). This variant is not present in population databases (gnomAD no frequency). This variant has not been reported in the literature in individuals affected with SLC44A4-related conditions. Advanced modeling of protein sequence and biophysical properties (such as structural, functional, and spatial information, amino acid conservation, physicochemical variation, residue mobility, and thermodynamic stability) performed at Invitae indicates that this missense variant is not expected to disrupt SLC44A4 protein function with a negative predictive value of 80%. In summary, the available evidence is currently insufficient to determine the role of this variant in disease. Therefore, it has been classified as a Variant of Uncertain Significance.

NM_025257.3(SLC44A4):c.1337G>A (p.Gly446Glu)

Gene: SLC44A4 (solute carrier family 44 member 4; minus strand). Cytogenetic location: 6p21.33.
Variant type: single nucleotide variant.
Coding change: c.1337G>A on transcript NM_025257.3 (MANE Select); coding-DNA position 1337, G replaced by A.
Protein change: p.Gly446Glu; replaces glycine 446 with glutamic acid.
Molecular consequence: missense variant.
Genome position (GRCh38, 1-based): chr6:31,866,023, C>T on the plus strand (G>A on the coding strand, the complement: SLC44A4 is on the minus strand). VCF-style: chr6-31866023-C-T. GRCh37 (hg19) VCF-style: chr6-31833800-C-T.
Other names: c.1211G>A, p.Gly404Glu (NM_001178044.2); c.1109G>A, p.Gly370Glu (NM_001178045.2); short protein forms G370E, G404E, G446E.
Identifiers: ClinVar variation 3624438 (VCV003624438.2).